The following is an entry in ClinVar:

ClinVar aggregate classification (germline): Uncertain significance (1 of 4 stars; one submission).

Allele frequency attached by ClinVar (database versions not stated): gnomAD exomes below 0.00001.

Submission:

Labcorp Genetics (formerly Invitae), Labcorp
Classification: Uncertain significance. Last evaluated: 2023-11-12. Review status: criteria provided, single submitter. Criteria: Invitae Variant Classification Sherloc (09022015). Collection method: clinical testing. Allele origin: germline.
Comment: This sequence change replaces threonine, which is neutral and polar, with isoleucine, which is neutral and non-polar, at codon 168 of the EYS protein (p.Thr168Ile). This variant is present in population databases (no rsID available, gnomAD 0.0009%). This variant has not been reported in the literature in individuals affected with EYS-related conditions. ClinVar contains an entry for this variant (Variation ID: 1036927). Advanced modeling of protein sequence and biophysical properties (such as structural, functional, and spatial information, amino acid conservation, physicochemical variation, residue mobility, and thermodynamic stability) has been performed at Invitae for this missense variant, however the output from this modeling did not meet the statistical confidence thresholds required to predict the impact of this variant on EYS protein function. In summary, the available evidence is currently insufficient to determine the role of this variant in disease. Therefore, it has been classified as a Variant of Uncertain Significance.

NM_001142800.2(EYS):c.503C>T (p.Thr168Ile)

Gene: EYS (EGF-like photoreceptor maintenance factor; minus strand). Cytogenetic location: 6q12.
Variant type: single nucleotide variant.
Coding change: c.503C>T on transcript NM_001142800.2 (MANE Select); coding-DNA position 503, C replaced by T.
Protein change: p.Thr168Ile; replaces threonine 168 with isoleucine.
Molecular consequence: missense variant.
Genome position (GRCh38, 1-based): chr6:65,494,908, G>A on the plus strand (C>T on the coding strand, the complement: EYS is on the minus strand). VCF-style: chr6-65494908-G-A. GRCh37 (hg19) VCF-style: chr6-66204801-G-A.
Other names: c.503C>T, p.Thr168Ile (NM_001142801.2, NM_001292009.2, NM_198283.2); short protein forms T168I.
Identifiers: ClinVar variation 1036927 (VCV001036927.8), dbSNP rs1169272650, ClinGen allele CA364789777.